The following is an entry in ClinVar:

NM_177438.3(DICER1):c.82T>G (p.Phe28Val)

Gene: DICER1 (dicer 1, ribonuclease III; minus strand). Cytogenetic location: 14q32.13.
Variant type: single nucleotide variant.
Coding change: c.82T>G on transcript NM_177438.3 (MANE Select); coding-DNA position 82, T replaced by G.
Protein change: p.Phe28Val; replaces phenylalanine 28 with valine.
Molecular consequence: missense variant.
Genome position (GRCh38, 1-based): chr14:95,133,377, A>C on the plus strand (T>G on the coding strand, the complement: DICER1 is on the minus strand). VCF-style: chr14-95133377-A-C. GRCh37 (hg19) VCF-style: chr14-95599714-A-C.
Other names: c.82T>G, p.Phe28Val (NM_001195573.1, NM_001271282.3, NM_001291628.2 and 1 more transcripts); short protein forms F28V.
Identifiers: ClinVar variation 840329 (VCV000840329.13), dbSNP rs1333617601, ClinGen allele CA390890525.

ClinVar aggregate classification (germline): Uncertain significance. Review status: criteria provided, multiple submitters, no conflicts (2 of 4 stars). 2 submissions from 2 submitters: Uncertain significance (2). Last evaluated 2023-10-13.

Conditions:
Hereditary cancer-predisposing syndrome. Also called: Neoplastic Syndromes, Hereditary; Hereditary neoplastic syndrome; Tumor predisposition; Hereditary Cancer Syndrome. Identifiers: Orphanet 140162, MedGen C0027672, MeSH D009386, MONDO:0015356.
DICER1-related tumor predisposition. Also called: DICER1 syndrome; DICER1-related pleuropulmonary blastoma cancer predisposition syndrome. Identifiers: Orphanet 284343, MedGen C3839822, MONDO:0100216.

Allele frequency attached by ClinVar (database versions not stated): gnomAD exomes below 0.00001.

Submissions (2):

Labcorp Genetics (formerly Invitae), Labcorp
Classification: Uncertain significance for DICER1-related tumor predisposition. Last evaluated: 2023-10-13. Review status: criteria provided, single submitter. Criteria: Invitae Variant Classification Sherloc (09022015). Collection method: clinical testing. Allele origin: germline.
Comment: This sequence change replaces phenylalanine, which is neutral and non-polar, with valine, which is neutral and non-polar, at codon 28 of the DICER1 protein (p.Phe28Val). This variant is present in population databases (no rsID available, gnomAD 0.0009%). This variant has not been reported in the literature in individuals affected with DICER1-related conditions. ClinVar contains an entry for this variant (Variation ID: 840329). An algorithm developed to predict the effect of missense changes on protein structure and function (PolyPhen-2) suggests that this variant is likely to be disruptive. In summary, the available evidence is currently insufficient to determine the role of this variant in disease. Therefore, it has been classified as a Variant of Uncertain Significance.

Ambry Genetics
Classification: Uncertain significance for Hereditary cancer-predisposing syndrome. Last evaluated: 2019-10-29. Review status: criteria provided, single submitter. Criteria: Ambry Variant Classification Scheme 2023. Collection method: clinical testing. Allele origin: germline.
Comment: The p.F28V variant (also known as c.82T>G), located in coding exon 1 of the DICER1 gene, results from a T to G substitution at nucleotide position 82. The phenylalanine at codon 28 is replaced by valine, an amino acid with highly similar properties. This amino acid position is highly conserved in available vertebrate species. In addition, this alteration is predicted to be deleterious by in silico analysis. Since supporting evidence is limited at this time, the clinical significance of this alteration remains unclear.